The following is an entry in ClinVar:

NM_007373.4(SHOC2):c.945G>A (p.Glu315=)

Gene: SHOC2 (SHOC2 leucine rich repeat scaffold protein; plus strand). Cytogenetic location: 10q25.2.
Variant type: single nucleotide variant.
Coding change: c.945G>A on transcript NM_007373.4 (MANE Select); coding-DNA position 945, G replaced by A.
Protein change: p.Glu315=; no amino-acid change (glutamic acid 315 retained).
Molecular consequence: synonymous variant. On other transcripts: 5 prime UTR variant (2), intron variant (1).
Genome position (GRCh38, 1-based): chr10:111,000,518, G>A. VCF-style: chr10-111000518-G-A. GRCh37 (hg19) VCF-style: chr10-112760276-G-A.
Other names: c.807G>A, p.Glu269= (NM_001269039.3, NM_001441186.1); c.945G>A, p.Glu315= (NM_001324336.2, NM_001324337.2, NM_001441184.1 and 2 more transcripts); c.276G>A, p.Glu92= (NM_001441188.1); c.-139G>A (NM_001441189.1, NM_001441190.1); c.-111-4088G>A (NM_001441191.1).
Identifiers: ClinVar variation 4983446 (VCV004983446.1).

ClinVar aggregate classification (germline): Likely benign (1 of 4 stars; one submission).

Conditions:
SHOC2-related disorder. Also called: SHOC2-related condition.

gnomAD v4.1: 1 of 1,610,808 alleles (0.000062%); highest among the groups gnomAD compares: Non-Finnish European, 0.000085%; no homozygotes.

Submission:

PreventionGenetics, part of Exact Sciences
Classification: Likely benign for SHOC2-related condition. Last evaluated: 2024-10-17. Review status: criteria provided, single submitter. Criteria: ACMG Guidelines, 2015. Collection method: clinical testing. Allele origin: germline.
Comment: This variant is classified as likely benign based on ACMG/AMP sequence variant interpretation guidelines (Richards et al. 2015 PMID: 25741868, with internal and published modifications).